The following is an entry in ClinVar:

ClinVar aggregate classification (germline): Pathogenic (1 of 4 stars; one submission).

Conditions:
Ataxia-telangiectasia syndrome (AT). Also called: Ataxia-telangiectasia; LOUIS-BAR SYNDROME; Ataxia-telangiectasia, complementation group D; AT, COMPLEMENTATION GROUP C; ATAXIA-TELANGIECTASIA, COMPLEMENTATION GROUP A; ATAXIA-TELANGIECTASIA, FRESNO VARIANT. Identifiers: Orphanet 100, MedGen C0004135, MONDO:0008840, OMIM 208900.

Submission:

Labcorp Genetics (formerly Invitae), Labcorp
Classification: Pathogenic for Ataxia-telangiectasia syndrome. Last evaluated: 2023-03-17. Review status: criteria provided, single submitter. Criteria: Invitae Variant Classification Sherloc (09022015). Collection method: clinical testing. Allele origin: germline.
Comment: For these reasons, this variant has been classified as Pathogenic. ClinVar contains an entry for this variant (Variation ID: 1428486). This variant has not been reported in the literature in individuals affected with ATM-related conditions. This variant is not present in population databases (gnomAD no frequency). This sequence change creates a premature translational stop signal (p.Ile2702Lysfs*2) in the ATM gene. It is expected to result in an absent or disrupted protein product. Loss-of-function variants in ATM are known to be pathogenic (PMID: 23807571, 25614872).

Literature cited by the submitters: PubMed 23807571; PubMed 25614872.

NM_000051.4(ATM):c.8102_8103insTA (p.Ile2702fs)

Genes: ATM (ATM serine/threonine kinase; plus strand), C11orf65 (chromosome 11 open reading frame 65; minus strand). Cytogenetic location: 11q22.3.
Variant type: Insertion.
Coding change: c.8102_8103insTA on transcript NM_000051.4 (MANE Select); coding-DNA positions 8102 to 8103, TA inserted.
Protein change: p.Ile2702fs; shifts the reading frame from isoleucine 2702.
Molecular consequence: frameshift variant. On other transcripts: intron variant (2).
Genome position: GRCh38 VCF-style: chr11-108335060-T-TTA. GRCh37 (hg19) VCF-style: chr11-108205787-T-TTA.
Other names: c.8102_8103insTA, p.Ile2702fs (NM_001351834.2); c.641-25990_641-25989insTA (NM_001330368.2); c.*38+159_*38+160insTA (NM_001351110.2); short protein forms I2702fs.
Identifiers: ClinVar variation 1428486 (VCV001428486.7), dbSNP rs2136661064, ClinGen allele CA2573146658.